The following is an entry in ClinVar:

ClinVar aggregate classification (germline): Likely benign (0 of 4 stars; one submission).

Conditions:
ARSD-related disorder. Also called: ARSD-related condition.

Allele frequency attached by ClinVar (database versions not stated): gnomAD 0.00001; gnomAD exomes 0.00002; TOPMed 0.00005; ExAC 0.10173.
gnomAD v4.1: 20 of 1,206,998 alleles (0.0017%); highest among the groups gnomAD compares: Admixed American, 0.0066%; no homozygotes.

Submission:

PreventionGenetics, part of Exact Sciences
Classification: Likely benign for ARSD-related condition. Last evaluated: 2020-07-31. Review status: no assertion criteria provided. Collection method: clinical testing. Allele origin: germline.
Comment: This variant is classified as likely benign based on ACMG/AMP sequence variant interpretation guidelines (Richards et al. 2015 PMID: 25741868, with internal and published modifications).

NM_001669.4(ARSD):c.845C>A (p.Ala282Asp)

Gene: ARSD (arylsulfatase D; minus strand). Cytogenetic location: Xp22.33.
Variant type: single nucleotide variant.
Coding change: c.845C>A on transcript NM_001669.4 (MANE Select); coding-DNA position 845, C replaced by A.
Protein change: p.Ala282Asp; replaces alanine 282 with aspartic acid.
Molecular consequence: missense variant.
Genome position (GRCh38, 1-based): chrX:2,917,822, G>T on the plus strand (C>A on the coding strand, the complement: ARSD is on the minus strand). VCF-style: chrX-2917822-G-T. GRCh37 (hg19) VCF-style: chrX-2835863-G-T.
Other names: c.845C>A, p.Ala282Asp (NM_009589.5); short protein forms A282D.
Identifiers: ClinVar variation 3060761 (VCV003060761.2), dbSNP rs78034736, ClinGen allele CA10337662.